The following is an entry in ClinVar:

NM_000038.6(APC):c.1743+972G>A

Gene: APC (APC regulator of WNT signaling pathway; plus strand). Cytogenetic location: 5q22.2.
Variant type: single nucleotide variant.
Coding change: c.1743+972G>A on transcript NM_000038.6 (MANE Select); 972 bases into the intron after coding-DNA position 1743, G replaced by A.
Molecular consequence: intron variant.
Genome position (GRCh38, 1-based): chr5:112,829,944, G>A. VCF-style: chr5-112829944-G-A. GRCh37 (hg19) VCF-style: chr5-112165641-G-A.
Other names: c.1743+972G>A (NM_001354895.2, NM_001127510.3); c.1773+972G>A (NM_001354897.2); c.1470+972G>A (NM_001354902.2); c.1689+972G>A (NM_001127511.3); c.1668+972G>A (NM_001354898.2); c.1365+972G>A (NM_001354904.2); c.894+972G>A (NM_001354906.2); c.1797+972G>A (NM_001354896.2); and 5 more.
Identifiers: ClinVar variation 83169 (VCV000083169.2), dbSNP rs78514921, ClinGen allele CA005721.

ClinVar aggregate classification (germline): other (0 of 4 stars; one submission).

Conditions:
Familial colorectal cancer. Identifiers: MedGen CN280943, MONDO:0023113. Disease mechanism: loss of function.

Submission:

Systems Biology Platform Zhejiang California International NanoSystems Institute
Classification: other for Familial colorectal cancer. Review status: no assertion criteria provided. Collection method: not provided. Allele origin: unknown.
ClinVar note: Converted during submission from cancer to other.